The following is an entry in ClinVar:

NM_024757.5(EHMT1):c.2555A>G (p.Tyr852Cys)

Gene: EHMT1 (euchromatic histone lysine methyltransferase 1; plus strand). Cytogenetic location: 9q34.3.
Variant type: single nucleotide variant.
Coding change: c.2555A>G on transcript NM_024757.5 (MANE Select); coding-DNA position 2555, A replaced by G.
Protein change: p.Tyr852Cys; replaces tyrosine 852 with cysteine.
Molecular consequence: missense variant.
Genome position (GRCh38, 1-based): chr9:137,798,862, A>G. VCF-style: chr9-137798862-A-G. GRCh37 (hg19) VCF-style: chr9-140693314-A-G.
Other names: c.2534A>G, p.Tyr845Cys (NM_001354263.2); short protein forms Y845C, Y852C.
Identifiers: ClinVar variation 2444721 (VCV002444721.1), dbSNP rs1953189560, ClinGen allele CA375788145.
Genomic context (GRCh38, chr9:137,798,862, plus strand): 5'-TTCTGTTGCAGGACGCAGAGGGCTCTACGTGTTTGCACCTGGCTGCCAAGAAAGGCCACT[A>G]CGAAGTGGTCCAGTACCTGCTTTCAAATGGACAGATGGACGTCAACTGTCAGGTACAGCC-3'
Protein context (NP_079033.4, residues 842-862): CLHLAAKKGH[Tyr852Cys]EVVQYLLSNG

ClinVar aggregate classification (germline): Uncertain significance (1 of 4 stars; one submission).

Allele frequency attached by ClinVar (database versions not stated): TOPMed below 0.00001.

Submission:

GeneDx
Classification: Uncertain significance. Last evaluated: 2022-09-15. Review status: criteria provided, single submitter. Criteria: GeneDx Variant Classification Process June 2021. Collection method: clinical testing. Allele origin: germline. Affected: yes.
Comment: Not observed at significant frequency in large population cohorts (gnomAD); In silico analysis supports that this missense variant has a deleterious effect on protein structure/function; Has not been previously published as pathogenic or benign to our knowledge